The following is an entry in ClinVar:

NM_000051.4(ATM):c.663-1G>T

Gene: ATM (ATM serine/threonine kinase; plus strand). Cytogenetic location: 11q22.3.
Variant type: single nucleotide variant.
Coding change: c.663-1G>T on transcript NM_000051.4 (MANE Select); the canonical splice acceptor site of the intron before coding-DNA position 663, G replaced by T.
Molecular consequence: splice acceptor variant.
Genome position (GRCh38, 1-based): chr11:108,244,787, G>T. VCF-style: chr11-108244787-G-T. GRCh37 (hg19) VCF-style: chr11-108115514-G-T.
Other names: c.663-1G>T (NM_001351834.2).
Identifiers: ClinVar variation 4756686 (VCV004756686.1).

ClinVar aggregate classification (germline): Likely pathogenic (1 of 4 stars; one submission).

Conditions:
Hereditary cancer-predisposing syndrome. Also called: Tumor predisposition; Hereditary Cancer Syndrome; Neoplastic Syndromes, Hereditary; Hereditary neoplastic syndrome. Identifiers: Orphanet 140162, MedGen C0027672, MeSH D009386, MONDO:0015356.

Submission:

Color Diagnostics, LLC DBA Color Health
Classification: Likely pathogenic for Hereditary cancer-predisposing syndrome. Last evaluated: 2025-05-20. Review status: criteria provided, single submitter. Criteria: ACMG Guidelines, 2015. Collection method: clinical testing. Allele origin: germline.
Comment: This variant causes a G>T nucleotide substitution at the -1 position of intron 6 of the ATM gene. Splice site prediction tools suggest that this variant may have a significant impact on RNA splicing. Although this prediction has not been confirmed in published RNA studies, this variant is expected to result in an absent or disrupted protein product. This variant has not been reported in individuals affected with ATM-related disorders in the literature. This variant has not been identified in the general population by the Genome Aggregation Database (gnomAD). Based on the available evidence, this variant is classified as Likely Pathogenic.